The following is an entry in ClinVar:

NM_001394062.1(MACF1):c.1610C>T (p.Thr537Ile)

Gene: MACF1 (microtubule actin crosslinking factor 1; plus strand). Cytogenetic location: 1p34.3.
Variant type: single nucleotide variant.
Coding change: c.1610C>T on transcript NM_001394062.1 (MANE Select); coding-DNA position 1610, C replaced by T.
Protein change: p.Thr537Ile; replaces threonine 537 with isoleucine.
Molecular consequence: missense variant.
Genome position (GRCh38, 1-based): chr1:39,287,387, C>T. VCF-style: chr1-39287387-C-T. GRCh37 (hg19) VCF-style: chr1-39753059-C-T.
Other names: c.1625C>T, p.Thr542Ile (NM_012090.5); short protein forms T537I, T542I.
Identifiers: ClinVar variation 5037296 (VCV005037296.1).

ClinVar aggregate classification (germline): Uncertain significance (1 of 4 stars; one submission).

Submission:

GeneDx
Classification: Uncertain significance. Last evaluated: 2026-04-16. Review status: criteria provided, single submitter. Criteria: GeneDx Variant Classification Process June 2021. Collection method: clinical testing. Allele origin: germline.
Comment: Not observed at significant frequency in large population cohorts (gnomAD); In silico analysis supports that this missense variant has a deleterious effect on protein structure/function; Has not been previously published as pathogenic or benign to our knowledge